The following is an entry in ClinVar:

ClinVar aggregate classification (germline): Uncertain significance (1 of 4 stars; one submission).

Submission:

Labcorp Genetics (formerly Invitae), Labcorp
Classification: Uncertain significance. Last evaluated: 2026-01-20. Review status: criteria provided, single submitter. Criteria: Invitae Variant Classification Sherloc (09022015). Collection method: clinical testing. Allele origin: germline.
Comment: This sequence change replaces asparagine, which is neutral and polar, with lysine, which is basic and polar, at codon 1820 of the FLNB protein (p.Asn1820Lys). This variant is not present in population databases (gnomAD no frequency). This variant has not been reported in the literature in individuals affected with FLNB-related conditions. Invitae Evidence Modeling of protein sequence and biophysical properties (such as structural, functional, and spatial information, amino acid conservation, physicochemical variation, residue mobility, and thermodynamic stability) indicates that this missense variant is not expected to disrupt FLNB protein function with a negative predictive value of 95%. In summary, the available evidence is currently insufficient to determine the role of this variant in disease. Therefore, it has been classified as a Variant of Uncertain Significance.

NM_001457.4(FLNB):c.5460C>G (p.Asn1820Lys)

Gene: FLNB (filamin B; plus strand). Cytogenetic location: 3p14.3.
Variant type: single nucleotide variant.
Coding change: c.5460C>G on transcript NM_001457.4 (MANE Select); coding-DNA position 5460, C replaced by G.
Protein change: p.Asn1820Lys; replaces asparagine 1820 with lysine.
Molecular consequence: missense variant.
Genome position (GRCh38, 1-based): chr3:58,145,955, C>G. VCF-style: chr3-58145955-C-G. GRCh37 (hg19) VCF-style: chr3-58131682-C-G.
Other names: c.5553C>G, p.Asn1851Lys (NM_001164317.2); c.5427C>G, p.Asn1809Lys (NM_001164318.2); c.5388C>G, p.Asn1796Lys (NM_001164319.2); short protein forms N1796K, N1809K, N1820K, N1851K.
Identifiers: ClinVar variation 4801723 (VCV004801723.1).